The following is an entry in ClinVar:

NM_000057.4(BLM):c.451A>G (p.Ile151Val)

Gene: BLM (BLM RecQ like helicase; plus strand). Cytogenetic location: 15q26.1.
Variant type: single nucleotide variant.
Coding change: c.451A>G on transcript NM_000057.4 (MANE Select); coding-DNA position 451, A replaced by G.
Protein change: p.Ile151Val; replaces isoleucine 151 with valine.
Molecular consequence: missense variant. On other transcripts: 5 prime UTR variant (1).
Genome position (GRCh38, 1-based): chr15:90,749,719, A>G. VCF-style: chr15-90749719-A-G. GRCh37 (hg19) VCF-style: chr15-91292949-A-G.
Other names: c.451A>G (LRG_20t1); c.451A>G, p.Ile151Val (NM_001287246.2, NM_001287247.2); c.-841A>G (NM_001287248.2); short protein forms I151V.
Identifiers: ClinVar variation 236822 (VCV000236822.24), dbSNP rs780472557, ClinGen allele CA7738293.
Genomic context (GRCh38, chr15:90,749,719, plus strand): 5'-TCCCGGGATACTGCTCTCAAGAAATTAGAATTTAGTTCTTCACCAGATTCTTTAAGTACC[A>G]TCAATGATTGGGATGATATGGATGACTTTGATACTTCTGAGACTTCAAAATCATTTGTTA-3'
Protein context (NP_000048.1, residues 141-161): FSSSPDSLST[Ile151Val]NDWDDMDDFD

ClinVar aggregate classification (germline): Conflicting classifications of pathogenicity. Review status: criteria provided, conflicting classifications (1 of 4 stars). 7 submissions from 7 submitters: Uncertain significance (5); Likely benign (1). 1 of the submissions does not count toward it. Last evaluated 2026-01-26.

Conditions:
Hereditary cancer-predisposing syndrome. Also called: Hereditary neoplastic syndrome; Hereditary Cancer Syndrome; Neoplastic Syndromes, Hereditary; Tumor predisposition. Identifiers: Orphanet 140162, MedGen C0027672, MeSH D009386, MONDO:0015356.
Bloom syndrome (BLM). Also called: Bloom-Torre-Machacek syndrome. Identifiers: Orphanet 125, MedGen C0005859, MONDO:0008876, OMIM 210900.

Allele frequency attached by ClinVar (database versions not stated): gnomAD exomes 0.00001 and 0.00003; ExAC 0.00002; gnomAD 0.00004 and 0.00005; TOPMed 0.00004.
gnomAD v4.1: 27 of 1,614,096 alleles (0.0017%); highest among the groups gnomAD compares: Middle Eastern, 0.016%; no homozygotes.

Submissions (7):

Labcorp Genetics (formerly Invitae), Labcorp
Classification: Uncertain significance for Bloom syndrome. Last evaluated: 2026-01-26. Review status: criteria provided, single submitter. Criteria: Invitae Variant Classification Sherloc (09022015). Collection method: clinical testing. Allele origin: germline.
Comment: This sequence change replaces isoleucine, which is neutral and non-polar, with valine, which is neutral and non-polar, at codon 151 of the BLM protein (p.Ile151Val). This variant is present in population databases (rs780472557, gnomAD 0.006%). This variant has not been reported in the literature in individuals affected with BLM-related conditions. ClinVar contains an entry for this variant (Variation ID: 236822). An algorithm developed to predict the effect of missense changes on protein structure and function outputs the following: PolyPhen-2: "Benign". The valine amino acid residue is found in multiple mammalian species, which suggests that this missense change does not adversely affect protein function. In summary, the available evidence is currently insufficient to determine the role of this variant in disease. Therefore, it has been classified as a Variant of Uncertain Significance.

Quest Diagnostics Nichols Institute San Juan Capistrano
Classification: Uncertain significance. Last evaluated: 2025-02-17. Review status: criteria provided, single submitter. Criteria: Quest Diagnostics criteria. Collection method: clinical testing. Allele origin: unknown.
Comment: The BLM c.451A>G (p.Ile151Val) variant has not been reported in individuals with BLM-related conditions in the published literature. The frequency of this variant in the general population (Genome Aggregation Database) is uninformative in the assessment of its pathogenicity. Analysis of this variant using bioinformatics tools for the prediction of the effect of amino acid changes on protein structure and function yielded predictions that this variant is benign. Based on the available information, we are unable to determine the clinical significance of this variant.

GeneDx
Classification: Uncertain significance. Last evaluated: 2024-09-10. Review status: criteria provided, single submitter. Criteria: GeneDx Variant Classification Process June 2021. Collection method: clinical testing. Allele origin: germline. Affected: yes.
Comment: Not observed at significant frequency in large population cohorts (gnomAD); In silico analysis indicates that this missense variant does not alter protein structure/function; Has not been previously published as pathogenic or benign to our knowledge

Ambry Genetics
Classification: Likely benign for Hereditary cancer-predisposing syndrome. Last evaluated: 2024-02-27. Review status: criteria provided, single submitter. Criteria: Ambry Variant Classification Scheme 2023. Collection method: clinical testing. Allele origin: germline.

Genetic Services Laboratory, University of Chicago
Classification: Uncertain significance. Last evaluated: 2021-09-21. Review status: criteria provided, single submitter. Criteria: ACMG Guidelines, 2015. Collection method: clinical testing. Allele origin: germline. Affected: no.
Comment: DNA sequence analysis of the BLM gene demonstrated a sequence change, c.451A>G, in exon 3 that results in an amino acid change, p.Ile151Val. This sequence change has been described in the gnomAD database with a frequency of 0.0065% in the South Asian subpopulation (dbSNP rs780472557). The p.Ile151Val change affects a poorly conserved amino acid residue located in a domain of the BLM protein that is not known to be functional. The p.Ile151Val substitution appears to be benign using several in-silico pathogenicity prediction tools (SIFT, PolyPhen2, Align GVGD, REVEL). This sequence change does not appear to have been previously described in individuals with BLM-related disorders. Due to insufficient evidences and the lack of functional studies, the clinical significance of the p.Ile151Val change remains unknown at this time.

Illumina Laboratory Services, Illumina
Classification: Uncertain significance for Bloom syndrome. Last evaluated: 2018-01-13. Review status: criteria provided, single submitter. Criteria: ICSL Variant Classification Criteria 13 December 2019. Collection method: clinical testing. Allele origin: germline.

Natera, Inc.
Classification: Uncertain significance for Bloom syndrome. Last evaluated: 2019-02-06. Review status: no assertion criteria provided. Collection method: clinical testing. Allele origin: germline. Not counted in ClinVar's aggregate classification.